The following is an entry in ClinVar:

ClinVar aggregate classification (germline): Uncertain significance (1 of 4 stars; one submission).

gnomAD v4.1: 1 of 1,480,608 alleles (0.000068%); no homozygotes.

Submission:

Labcorp Genetics (formerly Invitae), Labcorp
Classification: Uncertain significance. Last evaluated: 2025-03-17. Review status: criteria provided, single submitter. Criteria: Invitae Variant Classification Sherloc (09022015). Collection method: clinical testing. Allele origin: germline.
Comment: This sequence change replaces lysine, which is basic and polar, with arginine, which is basic and polar, at codon 160 of the LEMD3 protein (p.Lys160Arg). This variant is not present in population databases (gnomAD no frequency). This variant has not been reported in the literature in individuals affected with LEMD3-related conditions. ClinVar contains an entry for this variant (Variation ID: 3009859). Invitae Evidence Modeling of protein sequence and biophysical properties (such as structural, functional, and spatial information, amino acid conservation, physicochemical variation, residue mobility, and thermodynamic stability) indicates that this missense variant is not expected to disrupt LEMD3 protein function with a negative predictive value of 80%. In summary, the available evidence is currently insufficient to determine the role of this variant in disease. Therefore, it has been classified as a Variant of Uncertain Significance.

NM_014319.5(LEMD3):c.479A>G (p.Lys160Arg)

Genes: LEMD3 (LEM domain containing 3; plus strand), LOC130008224 (ATAC-STARR-seq lymphoblastoid silent region 4630; plus strand). Cytogenetic location: 12q14.3.
Variant type: single nucleotide variant.
Coding change: c.479A>G on transcript NM_014319.5 (MANE Select); coding-DNA position 479, A replaced by G.
Protein change: p.Lys160Arg; replaces lysine 160 with arginine.
Molecular consequence: missense variant.
Genome position (GRCh38, 1-based): chr12:65,170,075, A>G. VCF-style: chr12-65170075-A-G. GRCh37 (hg19) VCF-style: chr12-65563855-A-G.
Other names: c.479A>G, p.Lys160Arg (NM_001167614.2); short protein forms K160R.
Identifiers: ClinVar variation 3009859 (VCV003009859.3), dbSNP rs2498938563, ClinGen allele CA385673289.